The following is an entry in ClinVar:

ClinVar aggregate classification (germline): Conflicting classifications of pathogenicity. Review status: criteria provided, conflicting classifications (1 of 4 stars). 2 submissions from 2 submitters: Uncertain significance (1); Likely benign (1). Last evaluated 2025-04-29.

Conditions:
Hereditary cancer-predisposing syndrome. Also called: Neoplastic Syndromes, Hereditary; Hereditary Cancer Syndrome; Hereditary neoplastic syndrome; Tumor predisposition. Identifiers: Orphanet 140162, MedGen C0027672, MeSH D009386, MONDO:0015356.
Familial cancer of breast. Also called: BREAST CANCER, FAMILIAL; hereditary breast carcinoma; Hereditary breast cancer. Identifiers: Orphanet 227535, MedGen C0346153, MONDO:0016419, OMIM 114480. Disease mechanism: loss of function.

Submissions (2):

Labcorp Genetics (formerly Invitae), Labcorp
Classification: Uncertain significance for Familial cancer of breast. Last evaluated: 2025-04-29. Review status: criteria provided, single submitter. Criteria: Invitae Variant Classification Sherloc (09022015). Collection method: clinical testing. Allele origin: germline.
Comment: This sequence change replaces proline, which is neutral and non-polar, with serine, which is neutral and polar, at codon 353 of the BARD1 protein (p.Pro353Ser). This variant is not present in population databases (gnomAD no frequency). This variant has not been reported in the literature in individuals affected with BARD1-related conditions. ClinVar contains an entry for this variant (Variation ID: 479143). An algorithm developed to predict the effect of missense changes on protein structure and function (PolyPhen-2) suggests that this variant is likely to be tolerated. In summary, the available evidence is currently insufficient to determine the role of this variant in disease. Therefore, it has been classified as a Variant of Uncertain Significance.

Ambry Genetics
Classification: Likely benign for Hereditary cancer-predisposing syndrome. Last evaluated: 2024-02-26. Review status: criteria provided, single submitter. Criteria: Ambry Variant Classification Scheme 2023. Collection method: clinical testing. Allele origin: germline.

NM_000465.4(BARD1):c.1057C>T (p.Pro353Ser)

Gene: BARD1 (BRCA1 associated RING domain 1; minus strand). Cytogenetic location: 2q35.
Variant type: single nucleotide variant.
Coding change: c.1057C>T on transcript NM_000465.4 (MANE Select); coding-DNA position 1057, C replaced by T.
Protein change: p.Pro353Ser; replaces proline 353 with serine.
Molecular consequence: missense variant. On other transcripts: non-coding transcript variant (2), intron variant (3).
Genome position (GRCh38, 1-based): chr2:214,780,817, G>A on the plus strand (C>T on the coding strand, the complement: BARD1 is on the minus strand). VCF-style: chr2-214780817-G-A. GRCh37 (hg19) VCF-style: chr2-215645541-G-A.
Other names: c.1000C>T, p.Pro334Ser (NM_001282543.2); c.159-28262C>T (NM_001282548.2); c.215+16244C>T (NM_001282545.2); c.364+11480C>T (NM_001282549.2); short protein forms P353S, P334S.
Identifiers: ClinVar variation 479143 (VCV000479143.14), dbSNP rs1553622277, ClinGen allele CA350454142.
Genomic context (GRCh38, chr2:214,780,817, plus strand): 5'-CAACTTTACGTTTGCATGAAGGTGGTGAAGAACATTCAGGCAATGGTATATTTTCTGAGG[G>A]CACCGTTTGCTTAACAAAATCTCCACTGGTGCTCAGAATGCTGGTTCTACATCTCTTAGA-3'
Protein context (NP_000456.2, residues 343-363): TSGDFVKQTV[Pro353Ser]SENIPLPECS